The following is an entry in ClinVar:

NM_022455.5(NSD1):c.5623-2A>C

Gene: NSD1 (nuclear receptor binding SET domain protein 1; plus strand). Cytogenetic location: 5q35.3.
Variant type: single nucleotide variant.
Coding change: c.5623-2A>C on transcript NM_022455.5 (MANE Select); the canonical splice acceptor site of the intron before coding-DNA position 5623, A replaced by C.
Molecular consequence: splice acceptor variant.
Genome position (GRCh38, 1-based): chr5:177,280,563, A>C. VCF-style: chr5-177280563-A-C. GRCh37 (hg19) VCF-style: chr5-176707564-A-C.
Other names: c.5623-2A>C (NM_001409301.1, NM_001409302.1, NM_001409303.1); c.5203-2A>C (NM_001409304.1); c.4870-2A>C (NM_001409305.1); c.4861-2A>C (NM_001409306.1, NM_001409307.1); c.4750-2A>C (NM_001409308.1, NM_172349.5, NM_001409309.1 and 1 more transcripts).
Identifiers: ClinVar variation 1690807 (VCV001690807.2), dbSNP rs2127256836, ClinGen allele CA362311825.

ClinVar aggregate classification (germline): Likely pathogenic (1 of 4 stars; one submission).

Submission:

Laboratorio de Genetica e Diagnostico Molecular, Hospital Israelita Albert Einstein
Classification: Likely pathogenic. Last evaluated: 2020-02-16. Review status: criteria provided, single submitter. Criteria: ACMG Guidelines, 2015. Collection method: clinical testing. Allele origin: germline. Affected: yes.
Comment: ACMG classification criteria: PVS1, PM2